The following is an entry in ClinVar:

ClinVar aggregate classification (germline): Uncertain significance (1 of 4 stars; one submission).

Conditions:
Inborn genetic diseases. Identifiers: MedGen C0950123, MeSH D030342.

Submission:

Ambry Genetics
Classification: Uncertain significance for Inborn genetic diseases. Last evaluated: 2025-07-09. Review status: criteria provided, single submitter. Criteria: Ambry Variant Classification Scheme 2023. Collection method: clinical testing. Allele origin: germline.
Comment: The p.Y279C variant (also known as c.836A>G), located in coding exon 2 of the SMAD6 gene, results from an A to G substitution at nucleotide position 836. The tyrosine at codon 279 is replaced by cysteine, an amino acid with highly dissimilar properties. This amino acid position is conserved. In addition, this alteration is predicted to be deleterious by in silico analysis. Based on the available evidence, the clinical significance of this variant remains unclear.

NM_005585.5(SMAD6):c.836A>G (p.Tyr279Cys)

Gene: SMAD6 (SMAD family member 6; plus strand). Cytogenetic location: 15q22.31.
Variant type: single nucleotide variant.
Coding change: c.836A>G on transcript NM_005585.5 (MANE Select); coding-DNA position 836, A replaced by G.
Protein change: p.Tyr279Cys; replaces tyrosine 279 with cysteine.
Molecular consequence: missense variant. On other transcripts: non-coding transcript variant (1).
Genome position (GRCh38, 1-based): chr15:66,711,686, A>G. VCF-style: chr15-66711686-A-G. GRCh37 (hg19) VCF-style: chr15-67004024-A-G.
Other names: short protein forms Y279C.
Identifiers: ClinVar variation 4170067 (VCV004170067.1).